The following is an entry in ClinVar:

ClinVar aggregate classification (germline): Uncertain significance. Review status: criteria provided, multiple submitters, no conflicts (2 of 4 stars). 3 submissions from 3 submitters: Uncertain significance (3). Last evaluated 2024-06-19.

Conditions:
Osteoporosis with pseudoglioma (OPPG). Also called: osteoporosis-pseudoglioma syndrome. Identifiers: Orphanet 2788, MedGen C0432252, MONDO:0009820, OMIM 259770.
Polycystic liver disease 4 with or without kidney cysts. Identifiers: MedGen C4693479, MONDO:0044327, OMIM 617875.
Exudative vitreoretinopathy 4 (EVR4). Identifiers: Orphanet 891, MedGen C1866176, MONDO:0011151, OMIM 601813.
Autosomal dominant osteopetrosis 1 (OPTA1). Also called: OSTEOPETROSIS, AUTOSOMAL DOMINANT, TYPE I. Identifiers: Orphanet 2783, MedGen C1843330, MONDO:0011877, OMIM 607634.
Bone mineral density quantitative trait locus 1 (BMND1). Identifiers: MedGen C1866079, OMIM 601884.
Worth disease. Also called: ENDOSTEAL HYPEROSTOSIS, AUTOSOMAL DOMINANT; OSTEOSCLEROSIS, AUTOSOMAL DOMINANT; Autosomal dominant osteosclerosis, Worth type. Identifiers: Orphanet 2790, MedGen C0432273, MONDO:0007764, OMIM 144750.
Osteoporosis. Identifiers: MedGen C0029456, MONDO:0005298, OMIM 166710, HP:0000939.
Exudative vitreoretinopathy 1 (EVR1). Also called: CRISWICK-SCHEPENS SYNDROME; FEVR, AUTOSOMAL DOMINANT; Familial exudative vitreoretinopathy, autosomal dominant. Identifiers: Orphanet 891, Orphanet 90050, MedGen C1851402, MONDO:0007589, OMIM 133780.

Allele frequency attached by ClinVar (database versions not stated): gnomAD exomes 0.00001 and 0.00002; TOPMed 0.00001; ExAC 0.00002.
gnomAD v4.1: 13 of 1,614,136 alleles (0.00081%); highest among the groups gnomAD compares: East Asian, 0.018%; no homozygotes.

Submissions (3):

Labcorp Genetics (formerly Invitae), Labcorp
Classification: Uncertain significance. Last evaluated: 2024-06-19. Review status: criteria provided, single submitter. Criteria: Invitae Variant Classification Sherloc (09022015). Collection method: clinical testing. Allele origin: germline.
Comment: This sequence change replaces valine, which is neutral and non-polar, with methionine, which is neutral and non-polar, at codon 712 of the LRP5 protein (p.Val712Met). This variant is present in population databases (rs765239493, gnomAD 0.03%). This missense change has been observed in individual(s) with early onset osteoporosis (PMID: 33118644). ClinVar contains an entry for this variant (Variation ID: 1430467). Advanced modeling of protein sequence and biophysical properties (such as structural, functional, and spatial information, amino acid conservation, physicochemical variation, residue mobility, and thermodynamic stability) has been performed at Invitae for this missense variant, however the output from this modeling did not meet the statistical confidence thresholds required to predict the impact of this variant on LRP5 protein function. In summary, the available evidence is currently insufficient to determine the role of this variant in disease. Therefore, it has been classified as a Variant of Uncertain Significance.

Blueprint Genetics
Classification: Uncertain significance. Last evaluated: 2021-12-24. Review status: criteria provided, single submitter. Criteria: ACMG Guidelines, 2015. Collection method: clinical testing. Allele origin: germline.

Fulgent Genetics
Classification: Uncertain significance for Exudative vitreoretinopathy 1; Worth disease; Osteoporosis; Osteoporosis with pseudoglioma; Exudative vitreoretinopathy 4; Bone mineral density quantitative trait locus 1; Autosomal dominant osteopetrosis 1; Polycystic liver disease 4 with or without kidney cysts. Last evaluated: 2021-12-09. Review status: criteria provided, single submitter. Criteria: ACMG Guidelines, 2015. Collection method: clinical testing. Allele origin: unknown.

Literature cited by the submitters: PubMed 33118644 (cited by Labcorp Genetics (formerly Invitae), Labcorp).

NM_002335.4(LRP5):c.2134G>A (p.Val712Met)

Gene: LRP5 (LDL receptor related protein 5; plus strand). Cytogenetic location: 11q13.2.
Variant type: single nucleotide variant.
Coding change: c.2134G>A on transcript NM_002335.4 (MANE Select); coding-DNA position 2134, G replaced by A.
Protein change: p.Val712Met; replaces valine 712 with methionine.
Molecular consequence: missense variant.
Genome position (GRCh38, 1-based): chr11:68,409,956, G>A. VCF-style: chr11-68409956-G-A. GRCh37 (hg19) VCF-style: chr11-68177424-G-A.
Other names: c.391G>A, p.Val131Met (NM_001291902.2); short protein forms V712M, V131M.
Identifiers: ClinVar variation 1430467 (VCV001430467.8), dbSNP rs765239493, ClinGen allele CA6149547.